The following is an entry in ClinVar:

NM_002474.3(MYH11):c.5188G>A (p.Glu1730Lys)

Genes: MYH11 (myosin heavy chain 11; minus strand), NDE1 (nudE neurodevelopment protein 1; plus strand). Cytogenetic location: 16p13.11.
Variant type: single nucleotide variant.
Coding change: c.5188G>A on transcript NM_002474.3 (MANE Select); coding-DNA position 5188, G replaced by A.
Protein change: p.Glu1730Lys; replaces glutamic acid 1730 with lysine.
Molecular consequence: missense variant. On other transcripts: intron variant (2).
Genome position (GRCh38, 1-based): chr16:15,718,422, C>T on the plus strand (G>A on the coding strand, the complement: MYH11 is on the minus strand). VCF-style: chr16-15718422-C-T. GRCh37 (hg19) VCF-style: chr16-15812279-C-T.
Other names: c.5209G>A, p.Glu1737Lys (NM_001040113.2, NM_001040114.2); c.5188G>A, p.Glu1730Lys (NM_022844.3); c.948-5769C>T (NM_001143979.2, NM_017668.3); c.5188G>A (NM_002474.2); short protein forms E1730K, E1737K.
Identifiers: ClinVar variation 3072219 (VCV003072219.3), dbSNP rs766136761, ClinGen allele CA7921367.
Genomic context (GRCh38, chr16:15,718,422, plus strand): 5'-CCTGCTCCTCCTCCAGCTCCTCCTCCAGCTGGGCGATCCGGGCCTCCAGGCGGCGCTTCT[C>T]GTCCTGGAGTGCGTTCCTGGGGGAAGGGCGGCCATGGTGGGGGCCTCTACCCTCCCCCGC-3'
Protein context (NP_002465.1, residues 1720-1740): SLSGRNALQD[Glu1730Lys]KRRLEARIAQ

ClinVar aggregate classification (germline): Uncertain significance. Review status: criteria provided, multiple submitters, no conflicts (2 of 4 stars). 3 submissions from 3 submitters: Uncertain significance (3). Last evaluated 2026-06-15.

Conditions:
Aortic aneurysm, familial thoracic 4 (AAT4). Also called: AORTIC ANEURYSM/AORTIC DISSECTION AND PATENT DUCTUS ARTERIOSUS. Identifiers: MedGen C1851504, MONDO:0007568, OMIM 132900.
Familial thoracic aortic aneurysm and aortic dissection (TAAD). Also called: Thoracic aortic aneurysms and dissections. Identifiers: Orphanet 91387, MedGen C4707243, MONDO:0019625.

Allele frequency attached by ClinVar (database versions not stated): TOPMed below 0.00001.

Submissions (3):

Ambry Genetics
Classification: Uncertain significance for Familial thoracic aortic aneurysm and aortic dissection. Last evaluated: 2026-06-15. Review status: criteria provided, single submitter. Criteria: Ambry Variant Classification Scheme 2023. Collection method: clinical testing. Allele origin: germline.
Comment: The p.E1730K variant (also known as c.5188G>A), located in coding exon 36 of the MYH11 gene, results from a G to A substitution at nucleotide position 5188. The glutamic acid at codon 1730 is replaced by lysine, an amino acid with similar properties. This amino acid position is conserved. In addition, the in silico prediction for this alteration is inconclusive. Based on the available evidence, the clinical significance of this variant remains unclear.

Labcorp Genetics (formerly Invitae), Labcorp
Classification: Uncertain significance for Aortic aneurysm, familial thoracic 4. Last evaluated: 2025-08-17. Review status: criteria provided, single submitter. Criteria: Invitae Variant Classification Sherloc (09022015). Collection method: clinical testing. Allele origin: germline.
Comment: This sequence change replaces glutamic acid, which is acidic and polar, with lysine, which is basic and polar, at codon 1737 of the MYH11 protein (p.Glu1737Lys). This variant is present in population databases (rs766136761, gnomAD 0.005%). This variant has not been reported in the literature in individuals affected with MYH11-related conditions. ClinVar contains an entry for this variant (Variation ID: 3072219). Invitae Evidence Modeling of protein sequence and biophysical properties (such as structural, functional, and spatial information, amino acid conservation, physicochemical variation, residue mobility, and thermodynamic stability) indicates that this missense variant is not expected to disrupt MYH11 protein function with a negative predictive value of 95%. In summary, the available evidence is currently insufficient to determine the role of this variant in disease. Therefore, it has been classified as a Variant of Uncertain Significance.

All of Us Research Program, National Institutes of Health
Classification: Uncertain significance for Familial thoracic aortic aneurysm and aortic dissection. Last evaluated: 2023-06-26. Review status: criteria provided, single submitter. Criteria: ACMG Guidelines, 2015. Collection method: clinical testing. Allele origin: germline. Inheritance: Autosomal dominant inheritance. Observed: 1 variant allele, 1 heterozygote.
Comment: This missense variant replaces glutamic acid with lysine at codon 1737 of the MYH11 protein. Computational prediction is inconclusive regarding the impact of this variant on protein structure and function (internally defined REVEL score threshold 0.5 < inconclusive < 0.7, PMID: 27666373). To our knowledge, functional studies have not been reported for this variant. This variant has not been reported in individuals affected with MYH11-related disorders in the literature. This variant has not been identified in the general population by the Genome Aggregation Database (gnomAD). The available evidence is insufficient to determine the role of this variant in disease conclusively. Therefore, this variant is classified as a Variant of Uncertain Significance.

This study involves interpretation of variants in research participants for the purpose of population health screening. Participant phenotype was not available at the time of variant classification. Additional details can be found in publication PMID: 35346344, PMCID: PMC8962531